The following is an entry in ClinVar:

NM_001271.4(CHD2):c.443+4A>C

Gene: CHD2 (chromodomain helicase DNA binding protein 2; plus strand). Cytogenetic location: 15q26.1.
Variant type: single nucleotide variant.
Coding change: c.443+4A>C on transcript NM_001271.4 (MANE Select); 4 bases into the intron after coding-DNA position 443, A replaced by C.
Molecular consequence: intron variant.
Genome position (GRCh38, 1-based): chr15:92,929,095, A>C. VCF-style: chr15-92929095-A-C. GRCh37 (hg19) VCF-style: chr15-93472325-A-C.
Other names: c.443+4A>C (NM_001042572.3).
Identifiers: ClinVar variation 2662808 (VCV002662808.1), dbSNP rs2505399193, ClinGen allele CA2695197377.

ClinVar aggregate classification (germline): Uncertain significance (1 of 4 stars; one submission).

Submission:

GeneDx
Classification: Uncertain significance. Last evaluated: 2023-10-11. Review status: criteria provided, single submitter. Criteria: GeneDx Variant Classification Process June 2021. Collection method: clinical testing. Allele origin: germline. Affected: yes.
Comment: Not observed at significant frequency in large population cohorts (gnomAD); Has not been previously published as pathogenic or benign to our knowledge; In silico analysis is inconclusive as to whether the variant alters gene splicing. In the absence of RNA/functional studies, the actual effect of this sequence change is unknown.